The following is an entry in ClinVar:

ClinVar aggregate classification (germline): Likely benign (1 of 4 stars; one submission).

Submission:

CeGaT Center for Human Genetics Tuebingen
Classification: Likely benign. Last evaluated: 2026-05-01. Review status: criteria provided, single submitter. Criteria: CeGaT Center For Human Genetics Tuebingen Variant Classification Criteria Version 2. Collection method: clinical testing. Allele origin: germline. Affected: yes. Observed: 1 variant allele.
Comment: RHOBTB2: BP4, BP7

NM_015178.3(RHOBTB2):c.1137A>G (p.Leu379=)

Gene: RHOBTB2 (Rho related BTB domain containing 2; plus strand). Cytogenetic location: 8p21.3.
Variant type: single nucleotide variant.
Coding change: c.1137A>G on transcript NM_015178.3 (MANE Select); coding-DNA position 1137, A replaced by G.
Protein change: p.Leu379=; no amino-acid change (leucine 379 retained).
Molecular consequence: synonymous variant.
Genome position (GRCh38, 1-based): chr8:23,007,382, A>G. VCF-style: chr8-23007382-A-G. GRCh37 (hg19) VCF-style: chr8-22864895-A-G.
Other names: c.1203A>G, p.Leu401= (NM_001160036.2); c.1158A>G, p.Leu386= (NM_001160037.2); c.1137A>G, p.Leu379= (NM_001374791.1).
Identifiers: ClinVar variation 4873499 (VCV004873499.2).